The following is an entry in ClinVar:

NM_000057.4(BLM):c.887A>G (p.Tyr296Cys)

Gene: BLM (BLM RecQ like helicase; plus strand). Cytogenetic location: 15q26.1.
Variant type: single nucleotide variant.
Coding change: c.887A>G on transcript NM_000057.4 (MANE Select); coding-DNA position 887, A replaced by G.
Protein change: p.Tyr296Cys; replaces tyrosine 296 with cysteine.
Molecular consequence: missense variant. On other transcripts: 5 prime UTR variant (1).
Genome position (GRCh38, 1-based): chr15:90,751,874, A>G. VCF-style: chr15-90751874-A-G. GRCh37 (hg19) VCF-style: chr15-91295104-A-G.
Other names: c.887A>G, p.Tyr296Cys (NM_001287246.2, NM_001287247.2); c.-405A>G (NM_001287248.2); short protein forms Y296C.
Identifiers: ClinVar variation 405307 (VCV000405307.15), dbSNP rs775005766, ClinGen allele CA7738384.

ClinVar aggregate classification (germline): Conflicting classifications of pathogenicity. Review status: criteria provided, conflicting classifications (1 of 4 stars). 4 submissions from 4 submitters: Uncertain significance (3); Likely benign (1). Last evaluated 2025-12-10.

Conditions:
Hereditary cancer-predisposing syndrome. Also called: Hereditary Cancer Syndrome; Hereditary neoplastic syndrome; Neoplastic Syndromes, Hereditary; Tumor predisposition. Identifiers: Orphanet 140162, MedGen C0027672, MeSH D009386, MONDO:0015356.
Bloom syndrome (BLM). Also called: Bloom-Torre-Machacek syndrome. Identifiers: Orphanet 125, MedGen C0005859, MONDO:0008876, OMIM 210900.

Allele frequency attached by ClinVar (database versions not stated): gnomAD below 0.00001 and 0.00001.
gnomAD v4.1: 56 of 1,612,962 alleles (0.0035%); highest among the groups gnomAD compares: South Asian, 0.059%; 2 homozygotes.

Submissions (4):

Labcorp Genetics (formerly Invitae), Labcorp
Classification: Uncertain significance for Bloom syndrome. Last evaluated: 2025-12-10. Review status: criteria provided, single submitter. Criteria: Invitae Variant Classification Sherloc (09022015). Collection method: clinical testing. Allele origin: germline.
Comment: This sequence change replaces tyrosine, which is neutral and polar, with cysteine, which is neutral and slightly polar, at codon 296 of the BLM protein (p.Tyr296Cys). This variant is present in population databases (rs775005766, gnomAD 0.07%). This variant has not been reported in the literature in individuals affected with BLM-related conditions. ClinVar contains an entry for this variant (Variation ID: 405307). Invitae Evidence Modeling of protein sequence and biophysical properties (such as structural, functional, and spatial information, amino acid conservation, physicochemical variation, residue mobility, and thermodynamic stability) indicates that this missense variant is not expected to disrupt BLM protein function with a negative predictive value of 80%. In summary, the available evidence is currently insufficient to determine the role of this variant in disease. Therefore, it has been classified as a Variant of Uncertain Significance.

Ambry Genetics
Classification: Likely benign for Hereditary cancer-predisposing syndrome. Last evaluated: 2024-12-24. Review status: criteria provided, single submitter. Criteria: Ambry Variant Classification Scheme 2023. Collection method: clinical testing. Allele origin: germline.

Quest Diagnostics Nichols Institute San Juan Capistrano
Classification: Uncertain significance. Last evaluated: 2022-10-27. Review status: criteria provided, single submitter. Criteria: Quest Diagnostics criteria. Collection method: clinical testing. Allele origin: unknown.
Comment: To the best of our knowledge, the variant has not been reported in the published literature. The frequency of this variant in the general population, 0.00069 (21/30608 chromosomes in South Asian subpopulation), is higher than would generally be expected for pathogenic variants in this gene. Analysis of this variant using bioinformatics tools for the prediction of the effect of amino acid changes on protein structure and function yielded predictions that this variant is benign. Based on the available information, we are unable to determine the clinical significance of this variant.

Genetic Services Laboratory, University of Chicago
Classification: Uncertain significance. Last evaluated: 2021-05-03. Review status: criteria provided, single submitter. Criteria: ACMG Guidelines, 2015. Collection method: clinical testing. Allele origin: germline. Affected: no.
Comment: DNA sequence analysis of the BLM gene demonstrated a sequence change, c.887A>G, in exon 4 that results in an amino acid change, p.Tyr296Cys. This sequence change has been described in gnomAD with a frequency of 0.069% in the South Asian sub-population (dbSNP rs775005766). The p.Tyr296Cys change affects a poorly conserved amino acid residue located in a domain of the BLM protein that is not known to be functional. The p.Tyr296Cys substitution appears to be benign using several in-silico pathogenicity prediction tools (SIFT, PolyPhen2, Align GVGD, REVEL). This sequence change does not appear to have been previously described in patients with BLM-related disorders. Due to the lack of sufficient evidences, the clinical significance of the p.Tyr296Cys change remains unknown at this time.